The following is an entry in ClinVar:

NM_016284.5(CNOT1):c.5895+9T>C

Gene: CNOT1 (CCR4-NOT transcription complex subunit 1; minus strand). Cytogenetic location: 16q21.
Variant type: single nucleotide variant.
Coding change: c.5895+9T>C on transcript NM_016284.5 (MANE Select); 9 bases into the intron after coding-DNA position 5895, T replaced by C.
Molecular consequence: intron variant.
Genome position (GRCh38, 1-based): chr16:58,534,138, A>G on the plus strand (T>C on the coding strand, the complement: CNOT1 is on the minus strand). VCF-style: chr16-58534138-A-G. GRCh37 (hg19) VCF-style: chr16-58568042-A-G.
Other names: c.5895+9T>C (NM_016284.4); c.5880+9T>C (NM_001265612.2).
Identifiers: ClinVar variation 2064548 (VCV002064548.7), dbSNP rs201299803, ClinGen allele CA8088812.
Genomic context (GRCh38, chr16:58,534,138, plus strand): 5'-AATAATAAATAAATAAATAAAACACCCCACTGATGTAGACCAAGACTAAGGCAAGAAAGG[A>G]TTTCAGACCTTGTTCAGCAGATTAATCTTTGTGACAGTGTTGGTGGCCTCCCCTGAGTGT-3'

ClinVar aggregate classification (germline): Benign/Likely benign. Review status: criteria provided, multiple submitters, no conflicts (2 of 4 stars). 3 submissions from 3 submitters: Benign (1); Likely benign (1). 1 of the submissions does not count toward it. Last evaluated 2025-12-01.

Conditions:
CNOT1-related disorder. Also called: CNOT1-related condition.

Allele frequency attached by ClinVar (database versions not stated): TOPMed 0.00064; gnomAD 0.00082; ESP Exome Variant Server 0.00085; ExAC 0.00129; gnomAD exomes 0.00131.
gnomAD v4.1: 2,000 of 1,612,674 alleles (0.12%); highest among the groups gnomAD compares: Non-Finnish European, 0.15%; no homozygotes.

Submissions (3):

Labcorp Genetics (formerly Invitae), Labcorp
Classification: Benign. Last evaluated: 2025-12-01. Review status: criteria provided, single submitter. Criteria: Invitae Variant Classification Sherloc (09022015). Collection method: clinical testing. Allele origin: germline.

Blueprint Genetics
Classification: Likely benign. Last evaluated: 2024-11-21. Review status: criteria provided, single submitter. Criteria: ACMG Guidelines, 2015. Collection method: clinical testing. Allele origin: germline.

PreventionGenetics, part of Exact Sciences
Classification: Likely benign for CNOT1-related condition. Last evaluated: 2019-10-28. Review status: no assertion criteria provided. Collection method: clinical testing. Allele origin: germline. Not counted in ClinVar's aggregate classification.
Comment: This variant is classified as likely benign based on ACMG/AMP sequence variant interpretation guidelines (Richards et al. 2015 PMID: 25741868, with internal and published modifications).